The following is an entry in ClinVar:

NM_001034852.3(SMOC1):c.972C>T (p.Ile324=)

Gene: SMOC1 (SPARC related modular calcium binding 1; plus strand). Cytogenetic location: 14q24.2.
Variant type: single nucleotide variant.
Coding change: c.972C>T on transcript NM_001034852.3 (MANE Select); coding-DNA position 972, C replaced by T.
Protein change: p.Ile324=; no amino-acid change (isoleucine 324 retained).
Molecular consequence: synonymous variant.
Genome position (GRCh38, 1-based): chr14:70,013,417, C>T. VCF-style: chr14-70013417-C-T. GRCh37 (hg19) VCF-style: chr14-70480134-C-T.
Other names: c.1005C>T, p.Ile335= (NM_001425244.1, NM_001425245.1); c.972C>T, p.Ile324= (NM_022137.6).
Identifiers: ClinVar variation 2644344 (VCV002644344.24), dbSNP rs2503316286, ClinGen allele CA487007873.

ClinVar aggregate classification (germline): Likely benign (1 of 4 stars; one submission).

Allele frequency attached by ClinVar (database versions not stated): gnomAD exomes below 0.00001.
gnomAD v4.1: 3 of 1,614,166 alleles (0.00019%); highest among the groups gnomAD compares: Middle Eastern, 0.017%; no homozygotes.

Submission:

CeGaT Center for Human Genetics Tuebingen
Classification: Likely benign. Last evaluated: 2023-03-01. Review status: criteria provided, single submitter. Criteria: CeGaT Center For Human Genetics Tuebingen Variant Classification Criteria Version 2. Collection method: clinical testing. Allele origin: germline. Affected: yes. Observed: 1 variant allele.
Comment: SMOC1: PM2:Supporting, BP4, BP7